The following is an entry in ClinVar:

NM_203447.4(DOCK8):c.2083C>A (p.Pro695Thr)

Gene: DOCK8 (dedicator of cytokinesis 8; plus strand). Cytogenetic location: 9p24.3.
Variant type: single nucleotide variant.
Coding change: c.2083C>A on transcript NM_203447.4 (MANE Select); coding-DNA position 2083, C replaced by A.
Protein change: p.Pro695Thr; replaces proline 695 with threonine.
Molecular consequence: missense variant.
Genome position (GRCh38, 1-based): chr9:372,260, C>A. VCF-style: chr9-372260-C-A. GRCh37 (hg19) VCF-style: chr9-372260-C-A.
Other names: c.1879C>A, p.Pro627Thr (NM_001190458.2, NM_001193536.2); short protein forms P627T, P695T.
Identifiers: ClinVar variation 4750275 (VCV004750275.1).

ClinVar aggregate classification (germline): Uncertain significance (1 of 4 stars; one submission).

Conditions:
Combined immunodeficiency due to DOCK8 deficiency (HIES2). Also called: HIES autosomal recessive; DOCK8 Deficiency; HYPER-IgE SYNDROME 2, AUTOSOMAL RECESSIVE, WITH RECURRENT INFECTIONS; Hyper-IgE recurrent infection syndrome, autosomal recessive; HYPER-IgE RECURRENT INFECTION SYNDROME 2, AUTOSOMAL RECESSIVE. Identifiers: Orphanet 217390, MedGen C4722305, MONDO:0009478, OMIM 243700.

gnomAD v4.1: 1 of 1,614,046 alleles (0.000062%); highest among the groups gnomAD compares: African/African-American, 0.0013%; no homozygotes.

Submission:

Labcorp Genetics (formerly Invitae), Labcorp
Classification: Uncertain significance for Combined immunodeficiency due to DOCK8 deficiency. Last evaluated: 2025-10-29. Review status: criteria provided, single submitter. Criteria: Invitae Variant Classification Sherloc (09022015). Collection method: clinical testing. Allele origin: germline.
Comment: This sequence change replaces proline, which is neutral and non-polar, with threonine, which is neutral and polar, at codon 695 of the DOCK8 protein (p.Pro695Thr). This variant is not present in population databases (gnomAD no frequency). This variant has not been reported in the literature in individuals affected with DOCK8-related conditions. Invitae Evidence Modeling of protein sequence and biophysical properties (such as structural, functional, and spatial information, amino acid conservation, physicochemical variation, residue mobility, and thermodynamic stability) indicates that this missense variant is not expected to disrupt DOCK8 protein function with a negative predictive value of 80%. In summary, the available evidence is currently insufficient to determine the role of this variant in disease. Therefore, it has been classified as a Variant of Uncertain Significance.